The following is an entry in ClinVar:

NM_003332.4(TYROBP):c.233C>A (p.Ala78Glu)

Gene: TYROBP (transmembrane immune signaling adaptor TYROBP; minus strand). Cytogenetic location: 19q13.12.
Variant type: single nucleotide variant.
Coding change: c.233C>A on transcript NM_003332.4 (MANE Select); coding-DNA position 233, C replaced by A.
Protein change: p.Ala78Glu; replaces alanine 78 with glutamic acid.
Molecular consequence: missense variant. On other transcripts: non-coding transcript variant (1).
Genome position (GRCh38, 1-based): chr19:35,907,261, G>T on the plus strand (C>A on the coding strand, the complement: TYROBP is on the minus strand). VCF-style: chr19-35907261-G-T. GRCh37 (hg19) VCF-style: chr19-36398163-G-T.
Other names: c.200C>A, p.Ala67Glu (NM_001173514.2); c.197C>A, p.Ala66Glu (NM_001173515.2); c.230C>A, p.Ala77Glu (NM_198125.3); short protein forms A66E, A67E, A77E, A78E.
Identifiers: ClinVar variation 1408302 (VCV001408302.7), dbSNP rs150310136, ClinGen allele CA405387076.

ClinVar aggregate classification (germline): Uncertain significance (1 of 4 stars; one submission).

gnomAD v4.1: 1 of 1,610,194 alleles (0.000062%); highest among the groups gnomAD compares: Non-Finnish European, 0.000085%; no homozygotes.

Submission:

Labcorp Genetics (formerly Invitae), Labcorp
Classification: Uncertain significance. Last evaluated: 2022-07-12. Review status: criteria provided, single submitter. Criteria: Invitae Variant Classification Sherloc (09022015). Collection method: clinical testing. Allele origin: germline.
Comment: This sequence change replaces alanine with glutamic acid at codon 78 of the TYROBP protein (p.Ala78Glu). The alanine residue is weakly conserved and there is a moderate physicochemical difference between alanine and glutamic acid. The frequency data for this variant in the population databases is considered unreliable, as metrics indicate poor data quality at this position in the gnomAD database. This variant has not been reported in the literature in individuals affected with TYROBP-related conditions. ClinVar contains an entry for this variant (Variation ID: 1408302). Algorithms developed to predict the effect of missense changes on protein structure and function are either unavailable or do not agree on the potential impact of this missense change (SIFT: "Not Available"; PolyPhen-2: "Benign"; Align-GVGD: "Not Available"). In summary, the available evidence is currently insufficient to determine the role of this variant in disease. Therefore, it has been classified as a Variant of Uncertain Significance.